The following is an entry in ClinVar:

ClinVar aggregate classification (germline): Pathogenic (1 of 4 stars; one submission).

Submission:

GeneDx
Classification: Pathogenic. Last evaluated: 2026-09-27. Review status: criteria provided, single submitter. Criteria: GeneDx Variant Classification Process June 2021. Collection method: clinical testing. Allele origin: germline.
Comment: Frameshift variant predicted to result in abnormal protein length as the last 419 amino acids are replaced with 2 different amino acids, and other similar variants have been reported in HGMD; Not observed at significant frequency in large population cohorts (gnomAD); This variant is associated with the following publications: (PMID: 31303265)

NM_006236.3(POU3F3):c.246_267del (p.Met82fs)

Gene: POU3F3 (POU class 3 homeobox 3; plus strand). Cytogenetic location: 2q12.1.
Variant type: Deletion.
Coding change: c.246_267del on transcript NM_006236.3 (MANE Select); coding-DNA positions 246 to 267, 22 bases deleted (GGCCGCCAGCAACGGCGGCCAT).
Protein change: p.Met82fs; shifts the reading frame from methionine 82.
Molecular consequence: frameshift variant.
Genome position (GRCh38, 1-based): chr2:104,855,756-104,855,777, GGCCGCCAGCAACGGCGGCCAT deleted; deleting any 22 consecutive bases within chr2:104,855,750-104,855,777 gives the same sequence; the c. name uses the placement nearest the transcript's 3' end. VCF-style (leftmost placement, unchanged base first): chr2-104855749-GGGCCATGGCCGCCAGCAACGGC-G. GRCh37 (hg19) VCF-style: chr2-105472207-GGGCCATGGCCGCCAGCAACGGC-G.
Other names: short protein forms M82fs.
Identifiers: ClinVar variation 1723476 (VCV001723476.3), dbSNP rs2466874387, ClinGen allele CA2580063703.